The following is an entry in ClinVar:

ClinVar aggregate classification (germline): Pathogenic (1 of 4 stars; one submission).

Conditions:
Early-infantile DEE. Also called: Ohtahara syndrome; Early infantile epileptic encephalopathy; Early infantile epileptic encephalopathy with suppression bursts. Identifiers: Orphanet 1934, MedGen C0393706, MONDO:0800491.

Submission:

Labcorp Genetics (formerly Invitae), Labcorp
Classification: Pathogenic for Early-infantile DEE. Last evaluated: 2024-12-16. Review status: criteria provided, single submitter. Criteria: Invitae Variant Classification Sherloc (09022015). Collection method: clinical testing. Allele origin: germline.
Comment: This sequence change creates a premature translational stop signal (p.Glu140Thrfs*30) in the KCNQ2 gene. It is expected to result in an absent or disrupted protein product. Loss-of-function variants in KCNQ2 are known to be pathogenic (PMID: 14534157, 23692823, 27779742). This variant is not present in population databases (gnomAD no frequency). This variant has not been reported in the literature in individuals affected with KCNQ2-related conditions. ClinVar contains an entry for this variant (Variation ID: 1996765). For these reasons, this variant has been classified as Pathogenic.

Literature cited by the submitters: PubMed 14534157; PubMed 23692823; PubMed 27779742.

NM_172107.4(KCNQ2):c.418_421del (p.Glu140fs)

Gene: KCNQ2 (potassium voltage-gated channel subfamily Q member 2; minus strand). Cytogenetic location: 20q13.33.
Variant type: Deletion.
Coding change: c.418_421del on transcript NM_172107.4 (MANE Select); coding-DNA positions 418 to 421, 4 bases deleted (GAGT; older notation c.418_421delGAGT).
Protein change: p.Glu140fs; shifts the reading frame from glutamic acid 140.
Molecular consequence: frameshift variant.
Genome position (GRCh38, 1-based): chr20:63,445,331-63,445,334, ACTC deleted on the plus strand (GAGT on the coding strand, the reverse complement: KCNQ2 is on the minus strand). VCF-style (leftmost placement, unchanged base first): chr20-63445330-TACTC-T. GRCh37 (hg19) VCF-style: chr20-62076683-TACTC-T.
Other names: c.418_421del, p.Glu140fs (NM_001382235.1, NM_004518.6, NM_172106.3 and 2 more transcripts); short protein forms E140fs.
Identifiers: ClinVar variation 1996765 (VCV001996765.4), dbSNP rs2516512439, ClinGen allele CA2580098417.